The following is an entry in ClinVar:

NM_001360.3(DHCR7):c.99-5C>T

Gene: DHCR7 (7-dehydrocholesterol reductase; minus strand). Cytogenetic location: 11q13.4.
Variant type: single nucleotide variant.
Coding change: c.99-5C>T on transcript NM_001360.3 (MANE Select); 5 bases into the intron before coding-DNA position 99, C replaced by T.
Molecular consequence: intron variant.
Genome position (GRCh38, 1-based): chr11:71,444,220, G>A on the plus strand (C>T on the coding strand, the complement: DHCR7 is on the minus strand). VCF-style: chr11-71444220-G-A. GRCh37 (hg19) VCF-style: chr11-71155266-G-A.
Other names: c.99-5C>T (NM_001163817.2).
Identifiers: ClinVar variation 305960 (VCV000305960.30), dbSNP rs372886043, ClinGen allele CA6162688.
Genomic context (GRCh38, chr11:71,444,220, plus strand): 5'-AGGGGGCGAACAGCAGTAGGAAGATGACGCTCGCCAGTGAAAACCAGTCCACCTCCCTGC[G>A]AGGACGGATGCAGGCAGTCACACTGGGGCCCATCTGCCCTGGGCCCCACCAGGACCCTAA-3'

ClinVar aggregate classification (germline): Conflicting classifications of pathogenicity. Review status: criteria provided, conflicting classifications (1 of 4 stars). 9 submissions from 9 submitters: Uncertain significance (4); Likely benign (3). 2 of the submissions do not count toward it. Last evaluated 2025-12-31.

Conditions:
DHCR7-related disorder. Also called: DHCR7-related condition.
Inborn genetic diseases. Identifiers: MedGen C0950123, MeSH D030342.
Smith-Lemli-Opitz syndrome (SLOS). Also called: LETHAL ACRODYSGENITAL SYNDROME; POLYDACTYLY, SEX REVERSAL, RENAL HYPOPLASIA, AND UNILOBAR LUNG; RSH SYNDROME; RUTLEDGE LETHAL MULTIPLE CONGENITAL ANOMALY SYNDROME; 7-Dehydrocholesterol reductase deficiency. Identifiers: Orphanet 818, MedGen C0175694, MONDO:0010035, OMIM 270400.

Allele frequency attached by ClinVar (database versions not stated): gnomAD exomes 0.00017 and 0.00035; gnomAD 0.00019 and 0.00020; TOPMed 0.00026; ESP Exome Variant Server 0.00031; ExAC 0.00035.
gnomAD v4.1: 523 of 1,572,790 alleles (0.033%); highest among the groups gnomAD compares: Non-Finnish European, 0.042%; no homozygotes.

Submissions (9):

Labcorp Genetics (formerly Invitae), Labcorp
Classification: Likely benign for Smith-Lemli-Opitz syndrome. Last evaluated: 2025-12-31. Review status: criteria provided, single submitter. Criteria: Invitae Variant Classification Sherloc (09022015). Collection method: clinical testing. Allele origin: germline.

Blueprint Genetics
Classification: Likely benign. Last evaluated: 2024-09-08. Review status: criteria provided, single submitter. Criteria: ACMG Guidelines, 2015. Collection method: clinical testing. Allele origin: germline.

Revvity Omics, Revvity
Classification: Uncertain significance for Smith-Lemli-Opitz syndrome. Last evaluated: 2022-06-03. Review status: criteria provided, single submitter. Criteria: ACMG Guidelines, 2015. Collection method: clinical testing. Allele origin: germline.

Ambry Genetics
Classification: Uncertain significance for Inborn genetic diseases. Last evaluated: 2021-05-01. Review status: criteria provided, single submitter. Criteria: Ambry Variant Classification Scheme 2023. Collection method: clinical testing. Allele origin: germline.
Comment: The c.99-5C>T intronic alteration consists of a C to T substitution 5 nucleotides before coding exon 2 in the DHCR7 gene. Based on insufficient or conflicting evidence, the clinical significance of this alteration remains unclear.

GeneDx
Classification: Likely benign. Last evaluated: 2020-10-20. Review status: criteria provided, single submitter. Criteria: GeneDx Variant Classification Process June 2021. Collection method: clinical testing. Allele origin: germline. Affected: yes.
Comment: This variant is associated with the following publications: (PMID: 28250423)

Eurofins Ntd Llc (ga)
Classification: Uncertain significance. Last evaluated: 2018-01-12. Review status: criteria provided, single submitter. Criteria: EGL Classification Definitions 2015. Collection method: clinical testing. Allele origin: germline. Observed: 2 variant alleles, 2 heterozygotes.

Illumina Laboratory Services, Illumina
Classification: Uncertain significance for Smith-Lemli-Opitz syndrome. Last evaluated: 2018-01-12. Review status: criteria provided, single submitter. Criteria: ICSL Variant Classification Criteria 13 December 2019. Collection method: clinical testing. Allele origin: germline.

PreventionGenetics, part of Exact Sciences
Classification: Likely benign for DHCR7-related condition. Last evaluated: 2019-05-27. Review status: no assertion criteria provided. Collection method: clinical testing. Allele origin: germline. Not counted in ClinVar's aggregate classification.
Comment: This variant is classified as likely benign based on ACMG/AMP sequence variant interpretation guidelines (Richards et al. 2015 PMID: 25741868, with internal and published modifications).

Counsyl
Classification: Uncertain significance for Smith-Lemli-Opitz syndrome. Last evaluated: 2018-03-07. Review status: no assertion criteria provided. Collection method: clinical testing. Allele origin: unknown. Not counted in ClinVar's aggregate classification.

Literature cited by the submitters: PubMed 28250423 (cited by Ambry Genetics).